The following is an entry in ClinVar:

NM_006231.4(POLE):c.5760dup (p.Asn1921Ter)

Gene: POLE (DNA polymerase epsilon, catalytic subunit; minus strand). Cytogenetic location: 12q24.33.
Variant type: Duplication.
Coding change: c.5760dup on transcript NM_006231.4 (MANE Select); coding-DNA position 5760, one base duplicated (T; older notation c.5760dupT).
Protein change: p.Asn1921Ter; replaces asparagine 1921 with a stop codon.
Molecular consequence: nonsense.
Genome position (GRCh38, 1-based): chr12:132,635,943, A duplicated on the plus strand (T on the coding strand, the reverse complement: POLE is on the minus strand). VCF-style (leftmost placement, unchanged base first): chr12-132635942-T-TA. GRCh37 (hg19) VCF-style: chr12-133212528-T-TA.
Other names: short protein forms N1921*.
Identifiers: ClinVar variation 4671931 (VCV004671931.1).

ClinVar aggregate classification (germline): Uncertain significance (1 of 4 stars; one submission).

Conditions:
Hereditary cancer-predisposing syndrome. Also called: Neoplastic Syndromes, Hereditary; Tumor predisposition; Hereditary Cancer Syndrome; Hereditary neoplastic syndrome. Identifiers: Orphanet 140162, MedGen C0027672, MeSH D009386, MONDO:0015356.

Submission:

Ambry Genetics
Classification: Uncertain significance for Hereditary cancer-predisposing syndrome. Last evaluated: 2025-10-29. Review status: criteria provided, single submitter. Criteria: Ambry Variant Classification Scheme 2023. Collection method: clinical testing. Allele origin: germline.
Comment: The c.5760dupT variant, located in coding exon 42 of the POLE gene, results from a duplication of T at nucleotide position 5760, causing a translational frameshift with a predicted alternate stop codon (p.N1921*). This alteration is expected to result in loss of function by premature protein truncation or nonsense-mediated mRNA decay. Although biallelic loss of function of POLE has been associated with autosomal recessive POLE deficiency, haploinsufficiency of POLE has not been established as a mechanism of disease for POLE-related polymerase proofreading-associated polyposis (PPAP) and POLE-related CMMRD-like syndrome. Based on the supporting evidence, this variant is expected to be causative of POLE deficiency when present along with a second pathogenic variant on the other allele; however, its clinical significance for PPAP and POLE-related CMMRD-like syndrome is unclear.